The following is an entry in ClinVar:

NM_022765.4(MICAL1):c.1483A>G (p.Asn495Asp)

Gene: MICAL1 (microtubule associated monooxygenase, calponin and LIM domain containing 1; minus strand). Cytogenetic location: 6q21.
Variant type: single nucleotide variant.
Coding change: c.1483A>G on transcript NM_022765.4 (MANE Select); coding-DNA position 1483, A replaced by G.
Protein change: p.Asn495Asp; replaces asparagine 495 with aspartic acid.
Molecular consequence: missense variant.
Genome position (GRCh38, 1-based): chr6:109,449,433, T>C on the plus strand (A>G on the coding strand, the complement: MICAL1 is on the minus strand). VCF-style: chr6-109449433-T-C. GRCh37 (hg19) VCF-style: chr6-109770636-T-C.
Other names: c.1225A>G, p.Asn409Asp (NM_001159291.2); c.1540A>G, p.Asn514Asp (NM_001286613.2); short protein forms N495D, N514D, N409D.
Identifiers: ClinVar variation 2057818 (VCV002057818.4), dbSNP rs143348702, ClinGen allele CA3953380.
Genomic context (GRCh38, chr6:109,449,433, plus strand): 5'-CACCCCTTGGGAGGAAGGCCTGCTCACCGGTGGCTGGCATCCCTGTATCTGTCTTGTCGT[T>C]GTTCCTCTGCACAGGCTCCTTGGCTAGCACATCATACAGGTCTCGTACCTAAGGCAGCCC-3'
Protein context (NP_073602.3, residues 485-505): VLAKEPVQRN[Asn495Asp]DKTDTGMPAT

ClinVar aggregate classification (germline): Uncertain significance (1 of 4 stars; one submission).

Allele frequency attached by ClinVar (database versions not stated): 1000 Genomes Project 30x 0.00016; 1000 Genomes Project 0.00020; ExAC 0.00021; gnomAD 0.00024; TOPMed 0.00025; gnomAD exomes 0.00051; ESP Exome Variant Server 0.00054.
gnomAD v4.1: 790 of 1,614,224 alleles (0.049%); highest among the groups gnomAD compares: Non-Finnish European, 0.061%; 1 homozygote.

Submission:

Labcorp Genetics (formerly Invitae), Labcorp
Classification: Uncertain significance. Last evaluated: 2026-02-03. Review status: criteria provided, single submitter. Criteria: Invitae Variant Classification Sherloc (09022015). Collection method: clinical testing. Allele origin: germline.
Comment: This sequence change replaces asparagine, which is neutral and polar, with aspartic acid, which is acidic and polar, at codon 514 of the MICAL1 protein (p.Asn514Asp). This variant is present in population databases (rs143348702, gnomAD 0.04%), and has an allele count higher than expected for a pathogenic variant. This variant has not been reported in the literature in individuals affected with MICAL1-related conditions. ClinVar contains an entry for this variant (Variation ID: 2057818). An algorithm developed to predict the effect of missense changes on protein structure and function (PolyPhen-2) suggests that this variant is likely to be tolerated. In summary, the available evidence is currently insufficient to determine the role of this variant in disease. Therefore, it has been classified as a Variant of Uncertain Significance.